The following is an entry in ClinVar:

ClinVar aggregate classification (germline): Uncertain significance. Review status: criteria provided, multiple submitters, no conflicts (2 of 4 stars). 2 submissions from 2 submitters: Uncertain significance (2). Last evaluated 2026-06-07.

Allele frequency attached by ClinVar (database versions not stated): gnomAD exomes below 0.00001; TOPMed below 0.00001; gnomAD 0.00001.
gnomAD v4.1: 18 of 1,549,288 alleles (0.0012%); highest among the groups gnomAD compares: East Asian, 0.0049%; no homozygotes.

Submissions (2):

GeneDx
Classification: Uncertain significance. Last evaluated: 2026-06-07. Review status: criteria provided, single submitter. Criteria: GeneDx Variant Classification Process June 2021. Collection method: clinical testing. Allele origin: germline.
Comment: Not observed at significant frequency in large population cohorts (gnomAD); In silico analysis supports that this missense variant has a deleterious effect on protein structure/function; Has not been previously published as pathogenic or benign to our knowledge

Labcorp Genetics (formerly Invitae), Labcorp
Classification: Uncertain significance. Last evaluated: 2022-05-22. Review status: criteria provided, single submitter. Criteria: Invitae Variant Classification Sherloc (09022015). Collection method: clinical testing. Allele origin: germline.
Comment: In summary, the available evidence is currently insufficient to determine the role of this variant in disease. Therefore, it has been classified as a Variant of Uncertain Significance. Algorithms developed to predict the effect of missense changes on protein structure and function are either unavailable or do not agree on the potential impact of this missense change (SIFT: "Tolerated"; PolyPhen-2: "Probably Damaging"; Align-GVGD: "Class C0"). This variant has not been reported in the literature in individuals affected with OTOG-related conditions. This variant is not present in population databases (gnomAD no frequency). This sequence change replaces leucine, which is neutral and non-polar, with phenylalanine, which is neutral and non-polar, at codon 2525 of the OTOG protein (p.Leu2525Phe).

NM_001292063.2(OTOG):c.7537C>T (p.Leu2513Phe)

Gene: OTOG (otogelin; plus strand). Cytogenetic location: 11p15.1.
Variant type: single nucleotide variant.
Coding change: c.7537C>T on transcript NM_001292063.2 (MANE Select); coding-DNA position 7537, C replaced by T.
Protein change: p.Leu2513Phe; replaces leucine 2513 with phenylalanine.
Molecular consequence: missense variant.
Genome position (GRCh38, 1-based): chr11:17,634,900, C>T. VCF-style: chr11-17634900-C-T. GRCh37 (hg19) VCF-style: chr11-17656447-C-T.
Other names: c.7573C>T (NM_001277269.1); c.7573C>T, p.Leu2525Phe (NM_001277269.2); short protein forms L2525F, L2513F.
Identifiers: ClinVar variation 2054800 (VCV002054800.6), dbSNP rs899122772, ClinGen allele CA218498744.